The following is an entry in ClinVar:

NM_001372066.1(TFAP2A):c.430T>C (p.Ser144Pro)

Gene: TFAP2A (transcription factor AP-2 alpha; minus strand). Cytogenetic location: 6p24.3.
Variant type: single nucleotide variant.
Coding change: c.430T>C on transcript NM_001372066.1 (MANE Select); coding-DNA position 430, T replaced by C.
Protein change: p.Ser144Pro; replaces serine 144 with proline.
Molecular consequence: missense variant.
Genome position (GRCh38, 1-based): chr6:10,409,957, A>G on the plus strand (T>C on the coding strand, the complement: TFAP2A is on the minus strand). VCF-style: chr6-10409957-A-G. GRCh37 (hg19) VCF-style: chr6-10410190-A-G.
Other names: NM_003220.2:c.424T>C; c.406T>C, p.Ser136Pro (NM_001032280.3); c.412T>C, p.Ser138Pro (NM_001042425.3); short protein forms S136P, S138P, S144P.
Identifiers: ClinVar variation 2636042 (VCV002636042.2), dbSNP rs1009464114, ClinGen allele CA134056316.

ClinVar aggregate classification (germline): Uncertain significance. Review status: criteria provided, multiple submitters, no conflicts (2 of 4 stars). 2 submissions from 2 submitters: Uncertain significance (2). Last evaluated 2024-04-09.

Conditions:
Branchiooculofacial syndrome (BOFS). Also called: Branchio-Oculo-Facial Syndrome; LIP PSEUDOCLEFT-HEMANGIOMATOUS BRANCHIAL CYST SYNDROME; BOF SYNDROME; HEMANGIOMATOUS BRANCHIAL CLEFTS-LIP PSEUDOCLEFT SYNDROME. Identifiers: Orphanet 1297, MedGen C0376524, MeSH D019280, MONDO:0007235, OMIM 113620.
TFAP2A-related disorder. Also called: TFAP2A-related condition.

Allele frequency attached by ClinVar (database versions not stated): gnomAD 0.00003; TOPMed 0.00003; gnomAD exomes 0.00004.
gnomAD v4.1: 63 of 1,571,312 alleles (0.004%); highest among the groups gnomAD compares: Non-Finnish European, 0.0053%; no homozygotes.

Submissions (2):

Revvity Omics, Revvity
Classification: Uncertain significance for Branchiooculofacial syndrome. Last evaluated: 2024-04-09. Review status: criteria provided, single submitter. Criteria: ACMG Guidelines, 2015. Collection method: clinical testing. Allele origin: germline.

PreventionGenetics, part of Exact Sciences
Classification: Uncertain significance for TFAP2A-related condition. Last evaluated: 2023-05-01. Review status: criteria provided, single submitter. Criteria: ACMG Guidelines, 2015. Collection method: clinical testing. Allele origin: germline.
Comment: The TFAP2A c.424T>C variant is predicted to result in the amino acid substitution p.Ser142Pro. To our knowledge, this variant has not been reported in the literature. This variant is reported in 0.0026% of alleles in individuals of European (Non-Finnish) descent in gnomAD. At this time, the clinical significance of this variant is uncertain due to the absence of conclusive functional and genetic evidence.